The following is an entry in ClinVar:

ClinVar aggregate classification (germline): Conflicting classifications of pathogenicity. Review status: criteria provided, conflicting classifications (1 of 4 stars). 4 submissions from 4 submitters: Uncertain significance (3); Likely benign (1). Last evaluated 2025-09-08.

Conditions:
Cardiovascular phenotype. Identifiers: MedGen CN230736.
Myofibrillar myopathy 5. Also called: Filaminopathy (type); FILAMINOPATHY, AUTOSOMAL DOMINANT. Identifiers: Orphanet 171445, MedGen C1836050, MONDO:0012289, OMIM 609524.
Distal myopathy with posterior leg and anterior hand involvement. Also called: WILLIAMS DISTAL MYOPATHY. Identifiers: Orphanet 63273, MedGen C3279722, MONDO:0013550, OMIM 614065.
Hypertrophic cardiomyopathy 26. Also called: Cardiomyopathy, familial hypertrophic, 26. Identifiers: Orphanet 75249, MedGen C4310749, MONDO:0014883, OMIM 617047.

Allele frequency attached by ClinVar (database versions not stated): gnomAD exomes 0.00001 and 0.00003; ExAC 0.00002; gnomAD 0.00003 and 0.00004; TOPMed 0.00003.
gnomAD v4.1: 51 of 1,613,356 alleles (0.0032%); highest among the groups gnomAD compares: Non-Finnish European, 0.0041%; no homozygotes.

Submissions (4):

Labcorp Genetics (formerly Invitae), Labcorp
Classification: Likely benign for Distal myopathy with posterior leg and anterior hand involvement; Myofibrillar myopathy 5; Hypertrophic cardiomyopathy 26. Last evaluated: 2025-09-08. Review status: criteria provided, single submitter. Criteria: Invitae Variant Classification Sherloc (09022015). Collection method: clinical testing. Allele origin: germline.

Revvity Omics, Revvity
Classification: Uncertain significance. Last evaluated: 2025-05-30. Review status: criteria provided, single submitter. Criteria: ACMG Guidelines, 2015. Collection method: clinical testing. Allele origin: germline.

Ambry Genetics
Classification: Uncertain significance for Cardiovascular phenotype. Last evaluated: 2023-04-13. Review status: criteria provided, single submitter. Criteria: Ambry Variant Classification Scheme 2023. Collection method: clinical testing. Allele origin: germline.
Comment: The p.Y1826C variant (also known as c.5477A>G), located in coding exon 33 of the FLNC gene, results from an A to G substitution at nucleotide position 5477. The tyrosine at codon 1826 is replaced by cysteine, an amino acid with highly dissimilar properties. This amino acid position is well conserved in available vertebrate species. In addition, the in silico prediction for this alteration is inconclusive. Since supporting evidence is limited at this time, the clinical significance of this alteration remains unclear.

GeneDx
Classification: Uncertain significance. Last evaluated: 2023-02-23. Review status: criteria provided, single submitter. Criteria: GeneDx Variant Classification Process June 2021. Collection method: clinical testing. Allele origin: germline. Affected: yes.
Comment: Has not been previously published as pathogenic or benign to our knowledge; In silico analysis supports that this missense variant has a deleterious effect on protein structure/function

NM_001458.5(FLNC):c.5477A>G (p.Tyr1826Cys)

Genes: FLNC-AS1 (FLNC antisense RNA 1; minus strand), FLNC (filamin C; plus strand). Cytogenetic location: 7q32.1.
Variant type: single nucleotide variant.
Coding change: c.5477A>G on transcript NM_001458.5 (MANE Select); coding-DNA position 5477, A replaced by G.
Protein change: p.Tyr1826Cys; replaces tyrosine 1826 with cysteine.
Molecular consequence: missense variant.
Genome position (GRCh38, 1-based): chr7:128,850,881, A>G. VCF-style: chr7-128850881-A-G. GRCh37 (hg19) VCF-style: chr7-128490935-A-G.
Other names: c.5378A>G, p.Tyr1793Cys (NM_001127487.2); short protein forms Y1793C, Y1826C.
Identifiers: ClinVar variation 845214 (VCV000845214.12), dbSNP rs756197388, ClinGen allele CA4475708.